The following is an entry in ClinVar:

ClinVar aggregate classification (germline): Uncertain significance (1 of 4 stars; one submission).

Conditions:
Polycystic kidney disease 2 (PKD2). Also called: Polycystic Kidney Disease 2, Autosomal Dominant; POLYCYSTIC KIDNEY DISEASE, ADULT, TYPE II; POLYCYSTIC KIDNEY DISEASE 2 WITH OR WITHOUT POLYCYSTIC LIVER DISEASE. Identifiers: MedGen C2751306, MONDO:0013131, OMIM 613095.

Submission:

MVZ Medizinische Genetik Mainz
Classification: Uncertain significance for Polycystic kidney disease 2. Last evaluated: 2026-03-18. Review status: criteria provided, single submitter. Criteria: UK Practice Guidelines For Variant Classification V4 01 2020. Collection method: clinical testing. Allele origin: germline. Inheritance: Autosomal dominant inheritance. Affected: yes. Observed: 1 variant allele.
Comment: ACMG Criteria: PP3_MOD,PM2_SUP,PP4

NM_000297.4(PKD2):c.2050T>G (p.Tyr684Asp)

Gene: PKD2 (polycystin 2, transient receptor potential cation channel; plus strand). Cytogenetic location: 4q22.1.
Variant type: single nucleotide variant.
Coding change: c.2050T>G on transcript NM_000297.4 (MANE Select); coding-DNA position 2050, T replaced by G.
Protein change: p.Tyr684Asp; replaces tyrosine 684 with aspartic acid.
Molecular consequence: missense variant. On other transcripts: non-coding transcript variant (1).
Genome position (GRCh38, 1-based): chr4:88,061,936, T>G. VCF-style: chr4-88061936-T-G. GRCh37 (hg19) VCF-style: chr4-88983088-T-G.
Other names: c.1825T>G, p.Tyr609Asp (NM_001440544.1); short protein forms Y609D, Y684D.
Identifiers: ClinVar variation 4849212 (VCV004849212.1).